The following is an entry in ClinVar:

ClinVar aggregate classification (germline): Likely pathogenic (1 of 4 stars; one submission).

Conditions:
HPS4-related disorder. Also called: HPS4-related condition.

Submission:

PreventionGenetics, part of Exact Sciences
Classification: Likely pathogenic for HPS4-related condition. Last evaluated: 2025-12-02. Review status: criteria provided, single submitter. Criteria: ACMG Guidelines, 2015. Collection method: clinical testing. Allele origin: germline.
Comment: The HPS4 c.1954A>T variant is predicted to result in premature protein termination (p.Arg652*). To our knowledge, this variant has not been reported in the literature or in a large population database (gnomAD), indicating this variant is rare. Nonsense variants in HPS4 are expected to be pathogenic. This variant is interpreted as likely pathogenic.

NM_022081.6(HPS4):c.1954A>T (p.Arg652Ter)

Gene: HPS4 (HPS4 biogenesis of lysosomal organelles complex 3 subunit 2; minus strand). Cytogenetic location: 22q12.1.
Variant type: single nucleotide variant.
Coding change: c.1954A>T on transcript NM_022081.6 (MANE Select); coding-DNA position 1954, A replaced by T.
Protein change: p.Arg652Ter; replaces arginine 652 with a stop codon.
Molecular consequence: nonsense. On other transcripts: missense variant (3), non-coding transcript variant (8), intron variant (2).
Genome position (GRCh38, 1-based): chr22:26,457,860, T>A on the plus strand (A>T on the coding strand, the complement: HPS4 is on the minus strand). VCF-style: chr22-26457860-T-A. GRCh37 (hg19) VCF-style: chr22-26853826-T-A.
Other names: c.1954A>T, p.Arg652Ter (NM_001349896.1, NM_001349898.2, NM_001349899.2); c.2008A>T, p.Arg670Ter (NM_001349900.2, NM_001349901.1); c.1954A>T, p.Ser652Cys (NM_001349904.2, NM_001349905.1); c.1954A>T, p.Arg652Trp (NM_001410832.1); c.1939A>T, p.Arg647Ter (NM_152841.2); c.1714-4456A>T (NM_001349902.1, NM_001349903.2); short protein forms R652*, R652W, S652C, R647*, R670*.
Identifiers: ClinVar variation 4996348 (VCV004996348.1).